The following is an entry in ClinVar:

NM_032119.4(ADGRV1):c.6524T>C (p.Val2175Ala)

Gene: ADGRV1 (adhesion G protein-coupled receptor V1; plus strand). Cytogenetic location: 5q14.3.
Variant type: single nucleotide variant.
Coding change: c.6524T>C on transcript NM_032119.4 (MANE Select); coding-DNA position 6524, T replaced by C.
Protein change: p.Val2175Ala; replaces valine 2175 with alanine.
Molecular consequence: missense variant. On other transcripts: non-coding transcript variant (1).
Genome position (GRCh38, 1-based): chr5:90,689,894, T>C. VCF-style: chr5-90689894-T-C. GRCh37 (hg19) VCF-style: chr5-89985711-T-C.
Other names: c.6524T>C (NM_032119.3); short protein forms V2175A.
Identifiers: ClinVar variation 593472 (VCV000593472.12), dbSNP rs771811961, ClinGen allele CA3339820.

ClinVar aggregate classification (germline): Conflicting classifications of pathogenicity. Review status: criteria provided, conflicting classifications (1 of 4 stars). 5 submissions from 5 submitters: Uncertain significance (4); Likely benign (1). Last evaluated 2024-08-14.

Conditions:
Inborn genetic diseases. Identifiers: MedGen C0950123, MeSH D030342.

Allele frequency attached by ClinVar (database versions not stated): gnomAD exomes below 0.00001 and 0.00002; ExAC 0.00003.

Submissions (5):

Women's Health and Genetics/Laboratory Corporation of America, LabCorp
Classification: Uncertain significance. Last evaluated: 2024-08-14. Review status: criteria provided, single submitter. Criteria: LabCorp Variant Classification Summary - May 2015. Collection method: clinical testing. Allele origin: germline.
Comment: Variant summary: ADGRV1 c.6524T>C (p.Val2175Ala) results in a non-conservative amino acid change located in the Na-Ca exchanger/integrin-beta4 domain (IPR003644) of the encoded protein sequence. Four of five in-silico tools predict a damaging effect of the variant on protein function. The variant allele was found at a frequency of 1.6e-05 in 247922 control chromosomes. The available data on variant occurrences in the general population are insufficient to allow any conclusion about variant significance. c.6524T>C has been reported in the literature in at-least one individual affected with post-lingual non-syndromic HL (example: Rim_2021). These report(s) do not provide unequivocal conclusions about association of the variant with Usher Syndrome. To our knowledge, no experimental evidence demonstrating an impact on protein function has been reported. The following publication has been ascertained in the context of this evaluation (PMID: 34519870). ClinVar contains an entry for this variant (Variation ID: 593472). Based on the evidence outlined above, the variant was classified as uncertain significance.

Ambry Genetics
Classification: Uncertain significance for Inborn genetic diseases. Last evaluated: 2024-02-21. Review status: criteria provided, single submitter. Criteria: Ambry Variant Classification Scheme 2023. Collection method: clinical testing. Allele origin: germline.

Labcorp Genetics (formerly Invitae), Labcorp
Classification: Likely benign. Last evaluated: 2024-02-05. Review status: criteria provided, single submitter. Criteria: Invitae Variant Classification Sherloc (09022015). Collection method: clinical testing. Allele origin: germline.

Blueprint Genetics
Classification: Uncertain significance. Last evaluated: 2021-02-05. Review status: criteria provided, single submitter. Criteria: ACMG Guidelines, 2015. Collection method: clinical testing. Allele origin: germline.

Eurofins Ntd Llc (ga)
Classification: Uncertain significance. Last evaluated: 2017-08-17. Review status: criteria provided, single submitter. Criteria: EGL Classification Definitions 2015. Collection method: clinical testing. Allele origin: germline. Observed: 1 variant allele, 1 heterozygote.

Literature cited by the submitters: PubMed 34519870 (cited by Women's Health and Genetics/Laboratory Corporation of America, LabCorp).